The following is an entry in ClinVar:

NM_052876.4(NACC1):c.306C>G (p.Tyr102Ter)

Gene: NACC1 (nucleus accumbens associated 1; plus strand). Cytogenetic location: 19p13.13.
Variant type: single nucleotide variant.
Coding change: c.306C>G on transcript NM_052876.4 (MANE Select); coding-DNA position 306, C replaced by G.
Protein change: p.Tyr102Ter; replaces tyrosine 102 with a stop codon.
Molecular consequence: nonsense.
Genome position (GRCh38, 1-based): chr19:13,135,513, C>G. VCF-style: chr19-13135513-C-G. GRCh37 (hg19) VCF-style: chr19-13246327-C-G.
Other names: short protein forms Y102*.
Identifiers: ClinVar variation 3033885 (VCV003033885.3), dbSNP rs2513135497, ClinGen allele CA404325042.

ClinVar aggregate classification (germline): Uncertain significance (1 of 4 stars; one submission).

Conditions:
NACC1-related disorder. Also called: NACC1-related condition.

Submission:

PreventionGenetics, part of Exact Sciences
Classification: Uncertain significance for NACC1-related condition. Last evaluated: 2024-10-02. Review status: criteria provided, single submitter. Criteria: ACMG Guidelines, 2015. Collection method: clinical testing. Allele origin: germline.
Comment: The NACC1 c.306C>G variant is predicted to result in premature protein termination (p.Tyr102*). To our knowledge, this variant has not been reported in the literature or in a large population database, indicating this variant is rare. At this time, the clinical significance of this variant is uncertain due to the absence of conclusive functional and genetic evidence.